The following is an entry in ClinVar:

NM_001065.4(TNFRSF1A):c.1325G>A (p.Cys442Tyr)

Gene: TNFRSF1A (TNF receptor superfamily member 1A; minus strand). Cytogenetic location: 12p13.31.
Variant type: single nucleotide variant.
Coding change: c.1325G>A on transcript NM_001065.4 (MANE Select); coding-DNA position 1325, G replaced by A.
Protein change: p.Cys442Tyr; replaces cysteine 442 with tyrosine.
Molecular consequence: missense variant. On other transcripts: non-coding transcript variant (1).
Genome position (GRCh38, 1-based): chr12:6,329,355, C>T on the plus strand (G>A on the coding strand, the complement: TNFRSF1A is on the minus strand). VCF-style: chr12-6329355-C-T. GRCh37 (hg19) VCF-style: chr12-6438521-C-T.
Other names: c.1001G>A, p.Cys334Tyr (NM_001346091.2); c.866G>A, p.Cys289Tyr (NM_001346092.2); short protein forms C289Y, C334Y, C442Y.
Identifiers: ClinVar variation 1057418 (VCV001057418.9), dbSNP rs770656568, ClinGen allele CA6405226.
Genomic context (GRCh38, chr12:6,329,355, plus strand): 5'-CCCGCAGGGGCGCAGCCTCATCTGAGAAGACTGGGCGCGGGCGGGAGGGCGGCGGGGCCG[C>T]AAAGCGCCTCCTCGATGTCCTCCAGGCAGCCCAGCAGGTCCATGTCGCGGAGCACGCGTC-3'
Protein context (NP_001056.1, residues 432-452): GCLEDIEEAL[Cys442Tyr]GPAALPPAPS

ClinVar aggregate classification (germline): Uncertain significance (1 of 4 stars; one submission).

Conditions:
TNF receptor-associated periodic fever syndrome (TRAPS) (FPF). Also called: TNF RECEPTOR-ASSOCIATED PERIODIC SYNDROME; TUMOR NECROSIS FACTOR RECEPTOR-ASSOCIATED PERIODIC SYNDROME; FAMILIAL HIBERNIAN FEVER; TNF receptor 1-associated periodic fever syndrome; TNF Receptor-Associated Periodic Fever Syndrome; Autosomal Dominant Familial Periodic Fever. Identifiers: Orphanet 32960, MedGen C1275126, MONDO:0007727, OMIM 142680.

Allele frequency attached by ClinVar (database versions not stated): ExAC 0.00001; gnomAD 0.00001 and 0.00002; gnomAD exomes 0.00001 and 0.00002; TOPMed 0.00002.
gnomAD v4.1: 10 of 1,487,442 alleles (0.00067%); highest among the groups gnomAD compares: African/African-American, 0.0044%; no homozygotes.

Submission:

Labcorp Genetics (formerly Invitae), Labcorp
Classification: Uncertain significance for TNF receptor-associated periodic fever syndrome (TRAPS). Last evaluated: 2024-09-03. Review status: criteria provided, single submitter. Criteria: Invitae Variant Classification Sherloc (09022015). Collection method: clinical testing. Allele origin: germline.
Comment: This sequence change replaces cysteine, which is neutral and slightly polar, with tyrosine, which is neutral and polar, at codon 442 of the TNFRSF1A protein (p.Cys442Tyr). This variant is present in population databases (rs770656568, gnomAD 0.003%). This variant has not been reported in the literature in individuals affected with TNFRSF1A-related conditions. ClinVar contains an entry for this variant (Variation ID: 1057418). Invitae Evidence Modeling of protein sequence and biophysical properties (such as structural, functional, and spatial information, amino acid conservation, physicochemical variation, residue mobility, and thermodynamic stability) has been performed for this missense variant. However, the output from this modeling did not meet the statistical confidence thresholds required to predict the impact of this variant on TNFRSF1A protein function. In summary, the available evidence is currently insufficient to determine the role of this variant in disease. Therefore, it has been classified as a Variant of Uncertain Significance.